The following is an entry in ClinVar:

ClinVar aggregate classification (germline): Uncertain significance. Review status: criteria provided, multiple submitters, no conflicts (2 of 4 stars). 2 submissions from 2 submitters: Uncertain significance (2). Last evaluated 2025-12-10.

Conditions:
Optic atrophy 9 (OPA9). Identifiers: MedGen C4225384, MONDO:0014571, OMIM 616289.

Submissions (2):

Clinical Genomics Laboratory, Washington University in St. Louis
Classification: Uncertain significance for Optic atrophy 9. Last evaluated: 2025-12-10. Review status: criteria provided, single submitter. Criteria: ACMG Guidelines, 2015. Collection method: clinical testing. Allele origin: germline.
Comment: The ACO2 c.961G>A (p.Glu321Lys) variant, to our knowledge, has not been reported in the medical literature. This variant is absent from the general population (gnomAD v4.1.0), indicating it is not a common variant. Computational predictors are uncertain as to the impact of this variant on ACO2 function. Due to limited information, and based on ACMG/AMP guidelines for variant interpretation (Richards S et al., PMID: 25741868), the clinical significance of this variant is uncertain at this time.

Labcorp Genetics (formerly Invitae), Labcorp
Classification: Uncertain significance. Last evaluated: 2019-10-13. Review status: criteria provided, single submitter. Criteria: Invitae Variant Classification Sherloc (09022015). Collection method: clinical testing. Allele origin: germline.
Comment: This sequence change replaces glutamic acid with lysine at codon 321 of the ACO2 protein (p.Glu321Lys). The glutamic acid residue is moderately conserved and there is a small physicochemical difference between glutamic acid and lysine. This variant is not present in population databases (ExAC no frequency). This variant has not been reported in the literature in individuals with ACO2-related conditions. Algorithms developed to predict the effect of missense changes on protein structure and function (SIFT, PolyPhen-2, Align-GVGD) all suggest that this variant is likely to be tolerated, but these predictions have not been confirmed by published functional studies and their clinical significance is uncertain. In summary, the available evidence is currently insufficient to determine the role of this variant in disease. Therefore, it has been classified as a Variant of Uncertain Significance.

NM_001098.3(ACO2):c.961G>A (p.Glu321Lys)

Gene: ACO2 (aconitase 2; plus strand). Cytogenetic location: 22q13.2.
Variant type: single nucleotide variant.
Coding change: c.961G>A on transcript NM_001098.3 (MANE Select); coding-DNA position 961, G replaced by A.
Protein change: p.Glu321Lys; replaces glutamic acid 321 with lysine.
Molecular consequence: missense variant.
Genome position (GRCh38, 1-based): chr22:41,518,501, G>A. VCF-style: chr22-41518501-G-A. GRCh37 (hg19) VCF-style: chr22-41914505-G-A.
Other names: short protein forms E321K.
Identifiers: ClinVar variation 937666 (VCV000937666.10), dbSNP rs2066493570, ClinGen allele CA411722895.